The following is an entry in ClinVar:

NM_000132.4(F8):c.265G>A (p.Gly89Ser)

Gene: F8 (coagulation factor VIII; minus strand). Cytogenetic location: Xq28.
Variant type: single nucleotide variant.
Coding change: c.265G>A on transcript NM_000132.4 (MANE Select); coding-DNA position 265, G replaced by A.
Protein change: p.Gly89Ser; replaces glycine 89 with serine.
Molecular consequence: missense variant.
Genome position (GRCh38, 1-based): chrX:154,999,479, C>T on the plus strand (G>A on the coding strand, the complement: F8 is on the minus strand). VCF-style: chrX-154999479-C-T. GRCh37 (hg19) VCF-style: chrX-154227754-C-T.
Other names: short protein forms G89S.
Identifiers: ClinVar variation 3766866 (VCV003766866.1).

ClinVar aggregate classification (germline): Pathogenic (1 of 4 stars; one submission).

Submission:

ARUP Laboratories, Molecular Genetics and Genomics, ARUP Laboratories
Classification: Pathogenic. Last evaluated: 2024-10-03. Review status: criteria provided, single submitter. Criteria: ARUP Molecular Germline Variant Investigation Process 2024. Collection method: clinical testing. Allele origin: germline.
Comment: The F8 c.265G>A; p.Gly89Ser variant (rs2073635309) is reported in the literature in individuals affected with moderate to severe hemophilia A (see F8 database and references therein, Markoff 2009). This variant is absent from the Genome Aggregation Database (v2.1.1), indicating it is not a common polymorphism. Additionally, other variants at this codon (c.266G>A, p.Gly89Asp; c.266G>C, p. p.Gly89Ala) have been reported in individuals with moderate to severe hemophilia A (see F8 database and references therein). Computational analyses predict that this variant is deleterious (REVEL: 0.894). Additionally, computational splicing analyses (Alamut Visual Plus v.1.5.1) predict that this variant may impact splicing by weakening the nearby canonical donor splice site. Based on available information, the p.Gly89Ser variant is considered to be pathogenic. References: Link to F8 database: Markoff A et al. Combined homology modelling and evolutionary significance evaluation of missense mutations in blood clotting factor VIII to highlight aspects of structure and function. Haemophilia. 2009 Jul;15(4):932-41. PMID: 19473423.